The following is an entry in ClinVar:

NM_020719.3(PRR12):c.3117_3128del (p.Pro1046_Pro1049del)

Gene: PRR12 (proline rich 12; plus strand). Cytogenetic location: 19q13.33.
Variant type: Deletion.
Coding change: c.3117_3128del on transcript NM_020719.3 (MANE Select); coding-DNA positions 3117 to 3128, 12 bases deleted (ACCACCCCCGCC).
Protein change: p.Pro1046_Pro1049del.
Molecular consequence: inframe deletion.
Genome position (GRCh38, 1-based): chr19:49,597,452-49,597,463, ACCACCCCCGCC deleted; deleting any 12 consecutive bases within chr19:49,597,448-49,597,463 gives the same sequence; the c. name uses the placement nearest the transcript's 3' end. VCF-style (leftmost placement, unchanged base first): chr19-49597447-GCGCCACCACCCC-G. GRCh37 (hg19) VCF-style: chr19-50100704-GCGCCACCACCCC-G.
Identifiers: ClinVar variation 2650264 (VCV002650264.24), dbSNP rs938252556, ClinGen allele CA309529988.

ClinVar aggregate classification (germline): Uncertain significance (1 of 4 stars; one submission).

Submission:

CeGaT Center for Human Genetics Tuebingen
Classification: Uncertain significance. Last evaluated: 2023-10-01. Review status: criteria provided, single submitter. Criteria: CeGaT Center For Human Genetics Tuebingen Variant Classification Criteria Version 2. Collection method: clinical testing. Allele origin: germline. Affected: yes. Observed: 1 variant allele.
Comment: PRR12: PM4, PM2:Supporting